The following is an entry in ClinVar:

NM_172362.3(KCNH1):c.2479G>A (p.Gly827Ser)

Gene: KCNH1 (potassium voltage-gated channel subfamily H member 1; minus strand). Cytogenetic location: 1q32.2.
Variant type: single nucleotide variant.
Coding change: c.2479G>A on transcript NM_172362.3 (MANE Select); coding-DNA position 2479, G replaced by A.
Protein change: p.Gly827Ser; replaces glycine 827 with serine.
Molecular consequence: missense variant.
Genome position (GRCh38, 1-based): chr1:210,683,772, C>T on the plus strand (G>A on the coding strand, the complement: KCNH1 is on the minus strand). VCF-style: chr1-210683772-C-T. GRCh37 (hg19) VCF-style: chr1-210857114-C-T.
Other names: c.2479G>A (NM_172362.2); c.2398G>A, p.Gly800Ser (NM_002238.4); short protein forms G800S, G827S.
Identifiers: ClinVar variation 2722662 (VCV002722662.4), dbSNP rs201184788, ClinGen allele CA1379651.

ClinVar aggregate classification (germline): Conflicting classifications of pathogenicity. Review status: criteria provided, conflicting classifications (1 of 4 stars). 2 submissions from 2 submitters: Uncertain significance (1); Benign (1). Last evaluated 2026-01-15.

Conditions:
KCNH1-related disorder. Also called: KCNH1-related disorders; KCNH1-related condition.

Allele frequency attached by ClinVar (database versions not stated): gnomAD 0.00001; TOPMed 0.00001; ExAC 0.00002; gnomAD exomes 0.00002.

Submissions (2):

PreventionGenetics, part of Exact Sciences
Classification: Uncertain significance for KCNH1-related condition. Last evaluated: 2026-01-15. Review status: criteria provided, single submitter. Criteria: ACMG Guidelines, 2015. Collection method: clinical testing. Allele origin: germline.
Comment: The KCNH1 c.2479G>A variant is predicted to result in the amino acid substitution p.Gly827Ser. To our knowledge, this variant has not been reported in the literature. This variant is reported in 0.0054% of alleles in individuals of East Asian descent in gnomAD. At this time, the clinical significance of this variant is uncertain due to the absence of conclusive functional and genetic evidence.

Labcorp Genetics (formerly Invitae), Labcorp
Classification: Benign. Last evaluated: 2024-06-04. Review status: criteria provided, single submitter. Criteria: Invitae Variant Classification Sherloc (09022015). Collection method: clinical testing. Allele origin: germline.